The following is an entry in ClinVar:

ClinVar aggregate classification (germline): Uncertain significance (0 of 4 stars; one submission).

Conditions:
PCNT-related disorder. Also called: PCNT-related condition.

gnomAD v4.1: 2 of 1,613,898 alleles (0.00012%); highest among the groups gnomAD compares: African/African-American, 0.0013%; no homozygotes.

Submission:

PreventionGenetics, part of Exact Sciences
Classification: Uncertain significance for PCNT-related condition. Last evaluated: 2024-04-10. Review status: no assertion criteria provided. Collection method: clinical testing. Allele origin: germline.
Comment: The PCNT c.1942C>G variant is predicted to result in the amino acid substitution p.Pro648Ala. To our knowledge, this variant has not been reported in the literature or in gnomAD, indicating this variant is rare. At this time, the clinical significance of this variant is uncertain due to the absence of conclusive functional and genetic evidence.

NM_006031.6(PCNT):c.1942C>G (p.Pro648Ala)

Gene: PCNT (pericentrin; plus strand). Cytogenetic location: 21q22.3.
Variant type: single nucleotide variant.
Coding change: c.1942C>G on transcript NM_006031.6 (MANE Select); coding-DNA position 1942, C replaced by G.
Protein change: p.Pro648Ala; replaces proline 648 with alanine.
Molecular consequence: missense variant.
Genome position (GRCh38, 1-based): chr21:46,356,979, C>G. VCF-style: chr21-46356979-C-G. GRCh37 (hg19) VCF-style: chr21-47776894-C-G.
Other names: c.1588C>G, p.Pro530Ala (NM_001315529.2); short protein forms P530A, P648A.
Identifiers: ClinVar variation 3347324 (VCV003347324.1).